The following is an entry in ClinVar:

NM_152305.3(POGLUT1):c.514_578+1602del

Gene: POGLUT1 (protein O-glucosyltransferase 1; plus strand). Cytogenetic location: 3q13.33.
Variant type: Deletion.
Coding change: c.514_578+1602del on transcript NM_152305.3 (MANE Select); coding-DNA position 514 through 1602 bases into the intron after coding-DNA position 578, 1,667 bases deleted.
Molecular consequence: splice donor variant.
Genome position (GRCh38, 1-based): chr3:119,480,108-119,481,774, 1,667 bases deleted. GRCh37 (hg19): chr3:119,198,955-119,200,621.
Identifiers: ClinVar variation 851736 (VCV000851736.1), ClinGen allele CA916082593.

ClinVar aggregate classification (germline): Likely pathogenic (1 of 4 stars; one submission).

Submission:

Labcorp Genetics (formerly Invitae), Labcorp
Classification: Likely pathogenic. Last evaluated: 2019-10-08. Review status: criteria provided, single submitter. Criteria: Invitae Variant Classification Sherloc (09022015). Collection method: clinical testing. Allele origin: germline.
Comment: This variant is a deletion of the genomic region encompassing part of exon 5 (c.511_578+1599del) of the POGLUT1 gene. It is expected to disrupt RNA splicing and likely results in an absent or disrupted protein product. This variant has not been reported in the literature in individuals with POGLUT1-related conditions. Loss-of-function variants in POGLUT1 are known to be pathogenic (PMID: 24387993). In summary, the currently available evidence indicates that the variant is pathogenic, but additional data are needed to prove that conclusively. Therefore, this variant has been classified as Likely Pathogenic.